The following is an entry in ClinVar:

ClinVar aggregate classification (germline): Uncertain significance (1 of 4 stars; one submission).

Submission:

Labcorp Genetics (formerly Invitae), Labcorp
Classification: Uncertain significance. Last evaluated: 2024-08-29. Review status: criteria provided, single submitter. Criteria: Invitae Variant Classification Sherloc (09022015). Collection method: clinical testing. Allele origin: germline.
Comment: This sequence change replaces arginine, which is basic and polar, with tryptophan, which is neutral and slightly polar, at codon 213 of the CSF2RB protein (p.Arg213Trp). This variant is not present in population databases (gnomAD no frequency). This variant has not been reported in the literature in individuals affected with CSF2RB-related conditions. Invitae Evidence Modeling of protein sequence and biophysical properties (such as structural, functional, and spatial information, amino acid conservation, physicochemical variation, residue mobility, and thermodynamic stability) indicates that this missense variant is expected to disrupt CSF2RB protein function with a positive predictive value of 80%. In summary, the available evidence is currently insufficient to determine the role of this variant in disease. Therefore, it has been classified as a Variant of Uncertain Significance.

NM_000395.3(CSF2RB):c.637C>T (p.Arg213Trp)

Gene: CSF2RB (colony stimulating factor 2 receptor subunit beta; plus strand). Cytogenetic location: 22q12.3.
Variant type: single nucleotide variant.
Coding change: c.637C>T on transcript NM_000395.3 (MANE Select); coding-DNA position 637, C replaced by T.
Protein change: p.Arg213Trp; replaces arginine 213 with tryptophan.
Molecular consequence: missense variant.
Genome position (GRCh38, 1-based): chr22:36,929,726, C>T. VCF-style: chr22-36929726-C-T. GRCh37 (hg19) VCF-style: chr22-37325768-C-T.
Other names: c.637C>T, p.Arg213Trp (NM_001410827.1); short protein forms R213W.
Identifiers: ClinVar variation 3629323 (VCV003629323.2).